The following is an entry in ClinVar:

NM_002474.3(MYH11):c.4566C>T (p.Asp1522=)

Genes: MYH11 (myosin heavy chain 11; minus strand), NDE1 (nudE neurodevelopment protein 1; plus strand). Cytogenetic location: 16p13.11.
Variant type: single nucleotide variant.
Coding change: c.4566C>T on transcript NM_002474.3 (MANE Select); coding-DNA position 4566, C replaced by T.
Protein change: p.Asp1522=; no amino-acid change (aspartic acid 1522 retained).
Molecular consequence: synonymous variant. On other transcripts: intron variant (2).
Genome position (GRCh38, 1-based): chr16:15,721,434, G>A on the plus strand (C>T on the coding strand, the complement: MYH11 is on the minus strand). VCF-style: chr16-15721434-G-A. GRCh37 (hg19) VCF-style: chr16-15815291-G-A.
Other names: c.4587C>T, p.Asp1529= (NM_001040113.2, NM_001040114.2); c.4566C>T, p.Asp1522= (NM_022844.3); c.948-2757G>A (NM_001143979.2, NM_017668.3).
Identifiers: ClinVar variation 923495 (VCV000923495.34), dbSNP rs756552090, ClinGen allele CA7921645.

ClinVar aggregate classification (germline): Likely benign. Review status: criteria provided, multiple submitters, no conflicts (2 of 4 stars). 6 submissions from 6 submitters: Likely benign (6). Last evaluated 2026-04-01.

Conditions:
Familial thoracic aortic aneurysm and aortic dissection (TAAD). Also called: Thoracic aortic aneurysms and dissections. Identifiers: Orphanet 91387, MedGen C4707243, MONDO:0019625.
Aortic aneurysm, familial thoracic 4 (AAT4). Also called: AORTIC ANEURYSM/AORTIC DISSECTION AND PATENT DUCTUS ARTERIOSUS. Identifiers: MedGen C1851504, MONDO:0007568, OMIM 132900.

Allele frequency attached by ClinVar (database versions not stated): ExAC 0.00001; gnomAD exomes 0.00001; TOPMed 0.00005; gnomAD 0.00006.
gnomAD v4.1: 30 of 1,614,022 alleles (0.0019%); highest among the groups gnomAD compares: South Asian, 0.0033%; no homozygotes.

Submissions (6):

CeGaT Center for Human Genetics Tuebingen
Classification: Likely benign. Last evaluated: 2026-04-01. Review status: criteria provided, single submitter. Criteria: CeGaT Center For Human Genetics Tuebingen Variant Classification Criteria Version 2. Collection method: clinical testing. Allele origin: germline. Affected: yes. Observed: 1 variant allele.
Comment: MYH11: BP4, BP7

Labcorp Genetics (formerly Invitae), Labcorp
Classification: Likely benign for Aortic aneurysm, familial thoracic 4. Last evaluated: 2025-09-26. Review status: criteria provided, single submitter. Criteria: Invitae Variant Classification Sherloc (09022015). Collection method: clinical testing. Allele origin: germline.

All of Us Research Program, National Institutes of Health
Classification: Likely benign for Familial thoracic aortic aneurysm and aortic dissection. Last evaluated: 2023-11-30. Review status: criteria provided, single submitter. Criteria: ACMG Guidelines, 2015. Collection method: clinical testing. Allele origin: germline. Inheritance: Autosomal dominant inheritance. Observed: 5 variant alleles, 5 heterozygotes.
Comment: This study involves interpretation of variants in research participants for the purpose of population health screening. Participant phenotype was not available at the time of variant classification. Additional details can be found in publication PMID: 35346344, PMCID: PMC8962531

Ambry Genetics
Classification: Likely benign for Familial thoracic aortic aneurysm and aortic dissection. Last evaluated: 2020-03-16. Review status: criteria provided, single submitter. Criteria: Ambry Variant Classification Scheme 2023. Collection method: clinical testing. Allele origin: germline.

GeneDx
Classification: Likely benign. Last evaluated: 2019-11-27. Review status: criteria provided, single submitter. Criteria: GeneDx Variant Classification Process June 2021. Collection method: clinical testing. Allele origin: germline. Affected: yes.

Color Diagnostics, LLC DBA Color Health
Classification: Likely benign for Familial thoracic aortic aneurysm and aortic dissection. Last evaluated: 2019-03-19. Review status: criteria provided, single submitter. Criteria: ACMG Guidelines, 2015. Collection method: clinical testing. Allele origin: germline.